The following is an entry in ClinVar:

NM_002230.4(JUP):c.828G>C (p.Leu276=)

Gene: JUP (junction plakoglobin; minus strand). Cytogenetic location: 17q21.2.
Variant type: single nucleotide variant.
Coding change: c.828G>C on transcript NM_002230.4 (MANE Select); coding-DNA position 828, G replaced by C.
Protein change: p.Leu276=; no amino-acid change (leucine 276 retained).
Molecular consequence: synonymous variant.
Genome position (GRCh38, 1-based): chr17:41,767,460, C>G on the plus strand (G>C on the coding strand, the complement: JUP is on the minus strand). VCF-style: chr17-41767460-C-G. GRCh37 (hg19) VCF-style: chr17-39923712-C-G.
Other names: c.828G>C, p.Leu276= (NM_001352773.2, NM_001352774.2, NM_001352775.2 and 3 more transcripts).
Identifiers: ClinVar variation 2937230 (VCV002937230.24), dbSNP rs2544161069, ClinGen allele CA500024526.
Genomic context (GRCh38, chr17:41,767,460, plus strand): 5'-GGCCAGGAGCTGCAGGCAGTCGGTGGTGATGGCCAGGAACTTGGGGTTGTTCTTGTTGAG[C>G]AGGGGCACCATCTTTTGCAGCCCGTCGGCCAGGCGCACGGCCATCTTGGCGCCCTCCTGG-3'
Protein context (NP_002221.1, residues 266-286): LADGLQKMVP[Leu276=]LNKNNPKFLA

ClinVar aggregate classification (germline): Likely benign. Review status: criteria provided, multiple submitters, no conflicts (2 of 4 stars). 2 submissions from 2 submitters: Likely benign (2). Last evaluated 2024-03-01.

Conditions:
Naxos disease (NXD). Also called: KERATOSIS PALMOPLANTARIS WITH ARRHYTHMOGENIC CARDIOMYOPATHY; MAL DE NAXOS; CARDIOMYOPATHY, ARRHYTHMOGENIC RIGHT VENTRICULAR, WITH SKIN, HAIR, AND NAIL ABNORMALITIES; PALMOPLANTAR KERATODERMA WITH ARRHYTHMOGENIC RIGHT VENTRICULAR CARDIOMYOPATHY AND WOOLLY HAIR; WOOLLY HAIR, PALMOPLANTAR KERATODERMA, AND CARDIAC ABNORMALITIES. Identifiers: Orphanet 34217, MedGen C1832600, MONDO:0011017, OMIM 601214.
Arrhythmogenic right ventricular dysplasia 12. Also called: ARRHYTHMOGENIC RIGHT VENTRICULAR DYSPLASIA, FAMILIAL, 12. Identifiers: MedGen C1969081, MONDO:0012684, OMIM 611528.

Submissions (2):

CeGaT Center for Human Genetics Tuebingen
Classification: Likely benign. Last evaluated: 2024-03-01. Review status: criteria provided, single submitter. Criteria: CeGaT Center For Human Genetics Tuebingen Variant Classification Criteria Version 2. Collection method: clinical testing. Allele origin: germline. Affected: yes. Observed: 1 variant allele.
Comment: JUP: PM2:Supporting, BP4, BP7

Labcorp Genetics (formerly Invitae), Labcorp
Classification: Likely benign for Arrhythmogenic right ventricular dysplasia 12; Naxos disease. Last evaluated: 2023-07-27. Review status: criteria provided, single submitter. Criteria: Invitae Variant Classification Sherloc (09022015). Collection method: clinical testing. Allele origin: germline.